The following is an entry in ClinVar:

NM_004304.5(ALK):c.3855G>T (p.Lys1285Asn)

Gene: ALK (ALK receptor tyrosine kinase; minus strand). Cytogenetic location: 2p23.2.
Variant type: single nucleotide variant.
Coding change: c.3855G>T on transcript NM_004304.5 (MANE Select); coding-DNA position 3855, G replaced by T.
Protein change: p.Lys1285Asn; replaces lysine 1285 with asparagine.
Molecular consequence: missense variant.
Genome position (GRCh38, 1-based): chr2:29,207,254, C>A on the plus strand (G>T on the coding strand, the complement: ALK is on the minus strand). VCF-style: chr2-29207254-C-A. GRCh37 (hg19) VCF-style: chr2-29430120-C-A.
Other names: c.651G>T, p.Lys217Asn (NM_001353765.2); short protein forms K1285N, K217N.
Identifiers: ClinVar variation 1723060 (VCV001723060.10), dbSNP rs776547376, ClinGen allele CA346468995.

ClinVar aggregate classification (germline): Uncertain significance. Review status: criteria provided, multiple submitters, no conflicts (2 of 4 stars). 3 submissions from 3 submitters: Uncertain significance (3). Last evaluated 2024-04-15.

Conditions:
Neuroblastoma, susceptibility to, 3. Also called: ALK-Related Neuroblastic Tumor Susceptibility. Identifiers: Orphanet 635, MedGen C2751681, MONDO:0013083, OMIM 613014.
Hereditary cancer-predisposing syndrome. Also called: Hereditary Cancer Syndrome; Hereditary neoplastic syndrome; Neoplastic Syndromes, Hereditary; Tumor predisposition. Identifiers: Orphanet 140162, MedGen C0027672, MeSH D009386, MONDO:0015356.

Submissions (3):

Labcorp Genetics (formerly Invitae), Labcorp
Classification: Uncertain significance for Neuroblastoma, susceptibility to, 3. Last evaluated: 2024-04-15. Review status: criteria provided, single submitter. Criteria: Invitae Variant Classification Sherloc (09022015). Collection method: clinical testing. Allele origin: germline.
Comment: This sequence change replaces lysine, which is basic and polar, with asparagine, which is neutral and polar, at codon 1285 of the ALK protein (p.Lys1285Asn). This variant is not present in population databases (gnomAD no frequency). This variant has not been reported in the literature in individuals affected with ALK-related conditions. ClinVar contains an entry for this variant (Variation ID: 1723060). An algorithm developed to predict the effect of missense changes on protein structure and function (PolyPhen-2) suggests that this variant is likely to be disruptive. In summary, the available evidence is currently insufficient to determine the role of this variant in disease. Therefore, it has been classified as a Variant of Uncertain Significance.

Ambry Genetics
Classification: Uncertain significance for Hereditary cancer-predisposing syndrome. Last evaluated: 2023-02-07. Review status: criteria provided, single submitter. Criteria: Ambry Variant Classification Scheme 2023. Collection method: clinical testing. Allele origin: germline.
Comment: The p.K1285N variant (also known as c.3855G>T), located in coding exon 26 of the ALK gene, results from a G to T substitution at nucleotide position 3855. The lysine at codon 1285 is replaced by asparagine, an amino acid with similar properties. This amino acid position is highly conserved in available vertebrate species. In addition, this alteration is predicted to be tolerated by in silico analysis. Since supporting evidence is limited at this time, the clinical significance of this alteration remains unclear.

GeneDx
Classification: Uncertain significance. Last evaluated: 2022-05-03. Review status: criteria provided, single submitter. Criteria: GeneDx Variant Classification Process June 2021. Collection method: clinical testing. Allele origin: germline. Affected: yes.
Comment: Not observed at significant frequency in large population cohorts (gnomAD); In silico analysis supports that this missense variant has a deleterious effect on protein structure/function; Has not been previously published as pathogenic or benign to our knowledge